The following is an entry in ClinVar:

ClinVar aggregate classification (germline): Uncertain significance (1 of 4 stars; one submission).

Conditions:
Trichorhinophalangeal syndrome, type III (TRPS3). Also called: SUGIO-KAJII SYNDROME. Identifiers: Orphanet 77258, MedGen C1860823, OMIM 190351, MONDO:0008597.
Trichorhinophalangeal dysplasia type I (TRPS1). Also called: TRICHORHINOPHALANGEAL SYNDROME, TYPE I; TRPS I. Identifiers: Orphanet 77258, MedGen C0432233, MONDO:0008596, OMIM 190350.

Submission:

Labcorp Genetics (formerly Invitae), Labcorp
Classification: Uncertain significance for Trichorhinophalangeal syndrome, type III; Trichorhinophalangeal dysplasia type I. Last evaluated: 2022-03-26. Review status: criteria provided, single submitter. Criteria: Invitae Variant Classification Sherloc (09022015). Collection method: clinical testing. Allele origin: germline.
Comment: In summary, the available evidence is currently insufficient to determine the role of this variant in disease. Therefore, it has been classified as a Variant of Uncertain Significance. Algorithms developed to predict the effect of missense changes on protein structure and function (SIFT, PolyPhen-2, Align-GVGD) all suggest that this variant is likely to be tolerated. This variant has not been reported in the literature in individuals affected with TRPS1-related conditions. This variant is not present in population databases (gnomAD no frequency). This sequence change replaces valine, which is neutral and non-polar, with leucine, which is neutral and non-polar, at codon 555 of the TRPS1 protein (p.Val555Leu).

NM_014112.5(TRPS1):c.1663G>T (p.Val555Leu)

Gene: TRPS1 (transcriptional repressor GATA binding 1; minus strand). Cytogenetic location: 8q23.3.
Variant type: single nucleotide variant.
Coding change: c.1663G>T on transcript NM_014112.5 (MANE Select); coding-DNA position 1663, G replaced by T.
Protein change: p.Val555Leu; replaces valine 555 with leucine.
Molecular consequence: missense variant.
Genome position (GRCh38, 1-based): chr8:115,604,306, C>A on the plus strand (G>T on the coding strand, the complement: TRPS1 is on the minus strand). VCF-style: chr8-115604306-C-A. GRCh37 (hg19) VCF-style: chr8-116616533-C-A.
Other names: c.1636G>T, p.Val546Leu (NM_001282902.3); c.1642G>T, p.Val548Leu (NM_001282903.3); c.1624G>T, p.Val542Leu (NM_001330599.2); short protein forms V542L, V548L, V546L, V555L.
Identifiers: ClinVar variation 2117341 (VCV002117341.4), dbSNP rs2536889684, ClinGen allele CA372066895.